The following is an entry in ClinVar:

NM_000360.4(TH):c.338T>C (p.Leu113Pro)

Gene: TH (tyrosine hydroxylase; minus strand). Cytogenetic location: 11p15.5.
Variant type: single nucleotide variant.
Coding change: c.338T>C on transcript NM_000360.4 (MANE Select); coding-DNA position 338, T replaced by C.
Protein change: p.Leu113Pro; replaces leucine 113 with proline.
Molecular consequence: missense variant.
Genome position (GRCh38, 1-based): chr11:2,168,640, A>G on the plus strand (T>C on the coding strand, the complement: TH is on the minus strand). VCF-style: chr11-2168640-A-G. GRCh37 (hg19) VCF-style: chr11-2189870-A-G.
Other names: c.431T>C, p.Leu144Pro (NM_199292.3); c.419T>C, p.Leu140Pro (NM_199293.3); short protein forms L144P, L113P, L140P.
Identifiers: ClinVar variation 836034 (VCV000836034.1), dbSNP rs1846169144, ClinGen allele CA379129325.

ClinVar aggregate classification (germline): Uncertain significance (1 of 4 stars; one submission).

Conditions:
Dystonic disorder. Also called: Dystonia. Identifiers: MedGen C0013421, MONDO:0003441, HP:0001332.

Submission:

Labcorp Genetics (formerly Invitae), Labcorp
Classification: Uncertain significance for Dystonia. Last evaluated: 2019-12-13. Review status: criteria provided, single submitter. Criteria: Invitae Variant Classification Sherloc (09022015). Collection method: clinical testing. Allele origin: germline.
Comment: This sequence change replaces leucine with proline at codon 144 of the TH protein (p.Leu144Pro). The leucine residue is highly conserved and there is a moderate physicochemical difference between leucine and proline. This variant is not present in population databases (ExAC no frequency). This variant has not been reported in the literature in individuals with TH-related conditions. Algorithms developed to predict the effect of missense changes on protein structure and function (SIFT, PolyPhen-2, Align-GVGD) all suggest that this variant is likely to be disruptive, but these predictions have not been confirmed by published functional studies and their clinical significance is uncertain. In summary, the available evidence is currently insufficient to determine the role of this variant in disease. Therefore, it has been classified as a Variant of Uncertain Significance.